The following is an entry in ClinVar:

ClinVar aggregate classification (germline): Uncertain significance (1 of 4 stars; one submission).

Conditions:
Cardiovascular phenotype. Identifiers: MedGen CN230736.

Submission:

Ambry Genetics
Classification: Uncertain significance for Cardiovascular phenotype. Last evaluated: 2024-07-25. Review status: criteria provided, single submitter. Criteria: Ambry Variant Classification Scheme 2023. Collection method: clinical testing. Allele origin: germline.
Comment: The c.859+3G>T intronic variant results from a G to T substitution 3 nucleotides after coding exon 5 in the LDB3 gene. This nucleotide position is poorly conserved in available vertebrate species. In silico splice site analysis predicts that this alteration may weaken the native splice donor site. Based on the available evidence, the clinical significance of this variant remains unclear.

NM_007078.3(LDB3):c.859+3G>T

Gene: LDB3 (LIM domain binding 3; plus strand). Cytogenetic location: 10q23.2.
Variant type: single nucleotide variant.
Coding change: c.859+3G>T on transcript NM_007078.3 (MANE Select); 3 bases into the intron after coding-DNA position 859, G replaced by T.
Molecular consequence: intron variant.
Genome position (GRCh38, 1-based): chr10:86,692,068, G>T. VCF-style: chr10-86692068-G-T. GRCh37 (hg19) VCF-style: chr10-88451825-G-T.
Other names: c.859+3G>T (NM_001368064.1, NM_001368063.1, NM_001368065.1 and 1 more transcripts); c.718+3G>T (NM_001368068.1, NM_001368066.1, NM_001080114.2 and 2 more transcripts); c.1063+3G>T (NM_001171610.2, NM_001171611.2).
Identifiers: ClinVar variation 3537665 (VCV003537665.1).